The following is an entry in ClinVar:

NM_002074.5(GNB1):c.917-2A>G

Gene: GNB1 (G protein subunit beta 1; minus strand). Cytogenetic location: 1p36.33.
Variant type: single nucleotide variant.
Coding change: c.917-2A>G on transcript NM_002074.5 (MANE Select); the canonical splice acceptor site of the intron before coding-DNA position 917, A replaced by G.
Molecular consequence: splice acceptor variant.
Genome position (GRCh38, 1-based): chr1:1,787,439, T>C on the plus strand (A>G on the coding strand, the complement: GNB1 is on the minus strand). VCF-style: chr1-1787439-T-C. GRCh37 (hg19) VCF-style: chr1-1718878-T-C.
Other names: c.917-2A>G (NM_001282539.2); c.617-2A>G (NM_001282538.2).
Identifiers: ClinVar variation 1200272 (VCV001200272.3), dbSNP rs2100452011, ClinGen allele CA337902333.

ClinVar aggregate classification (germline): Likely pathogenic (1 of 4 stars; one submission).

Submission:

GeneDx
Classification: Likely pathogenic. Last evaluated: 2019-07-15. Review status: criteria provided, single submitter. Criteria: GeneDx Variant Classification Process June 2021. Collection method: clinical testing. Allele origin: germline. Affected: yes.
Comment: Canonical splice site variant expected to result in aberrant splicing. In the absence of RNA/functional studies, the actual effect of this variant is unknown.; Not observed in large population cohorts (Lek et al., 2016); Has not been previously published as pathogenic or benign to our knowledge